The following is an entry in ClinVar:

ClinVar aggregate classification (germline): Pathogenic (1 of 4 stars; one submission).

Conditions:
Nemaline myopathy 2 (NEM2). Also called: Nemaline myopathy 2, autosomal recessive. Identifiers: MedGen C1850569, MONDO:0009725, OMIM 256030.

Submission:

Myriad Genetics, Inc.
Classification: Pathogenic for Nemaline myopathy 2. Last evaluated: 2026-06-03. Review status: criteria provided, single submitter. Criteria: Myriad Autosomal Dominant, Autosomal Recessive and X-Linked Classification Criteria (2023). Collection method: clinical testing. Allele origin: unknown.
Comment: NM_001271208.1(NEB):c.23957_23958delAT(N7986Ifs*24) is a frameshift variant classified as pathogenic in the context of NEB-related nemaline myopathy. N7986Ifs*24 has not been observed in cases with relevant disease. Relevant functional assessments of this variant are not available in the literature. N7986Ifs*24 has not been observed in referenced population frequency databases. In summary, NM_001271208.1(NEB):c.23957_23958delAT(N7986Ifs*24) is a frameshift variant in a gene where loss of function is a known mechanism of disease and is predicted to disrupt protein function. Please note: this variant was assessed in the context of healthy population screening.

NM_001164508.2(NEB):c.23852_23853del (p.Asn7951fs)

Genes: NEB (nebulin; minus strand), RIF1 (replication timing regulatory factor 1; plus strand). Cytogenetic location: 2q23.3.
Variant type: Deletion.
Coding change: c.23852_23853del on transcript NM_001164508.2 (MANE Select); coding-DNA positions 23852 to 23853, 2 bases deleted (AT; older notation c.23852_23853delAT).
Protein change: p.Asn7951fs; shifts the reading frame from asparagine 7951.
Molecular consequence: frameshift variant.
Genome position (GRCh38, 1-based): chr2:151,502,868-151,502,869, AT deleted on the plus strand (AT on the coding strand, the reverse complement: NEB is on the minus strand). VCF-style (leftmost placement, unchanged base first): chr2-151502867-AAT-A. GRCh37 (hg19) VCF-style: chr2-152359381-AAT-A.
Other names: c.23852_23853del, p.Asn7951fs (NM_001164507.2); c.23957_23958del, p.Asn7986fs (NM_001271208.2); c.18749_18750del, p.Asn6250fs (NM_004543.5); short protein forms N7951fs, N7986fs, N6250fs.
Identifiers: ClinVar variation 5003654 (VCV005003654.1).